The following is an entry in ClinVar:

NM_001909.5(CTSD):c.1147_1148del (p.Trp383fs)

Gene: CTSD (cathepsin D; minus strand). Cytogenetic location: 11p15.5.
Variant type: Deletion.
Coding change: c.1147_1148del on transcript NM_001909.5 (MANE Select); coding-DNA positions 1147 to 1148, 2 bases deleted (TG; older notation c.1147_1148delTG).
Protein change: p.Trp383fs; shifts the reading frame from tryptophan 383.
Molecular consequence: frameshift variant.
Genome position (GRCh38, 1-based): chr11:1,753,594-1,753,595, CA deleted on the plus strand (TG on the coding strand, the reverse complement: CTSD is on the minus strand). VCF-style (leftmost placement, unchanged base first): chr11-1753593-CCA-C. GRCh37 (hg19) VCF-style: chr11-1774823-CCA-C.
Other names: short protein forms W383fs.
Identifiers: ClinVar variation 1387236 (VCV001387236.6), dbSNP rs2133657189, ClinGen allele CA2573146013.

ClinVar aggregate classification (germline): Uncertain significance (1 of 4 stars; one submission).

Conditions:
Neuronal ceroid lipofuscinosis. Also called: Neuronal Ceroid Lipofuscinoses. Identifiers: Orphanet 216, Orphanet 79263, MedGen C0027877, MONDO:0016295. Disease mechanism: loss of function.

Submission:

Labcorp Genetics (formerly Invitae), Labcorp
Classification: Uncertain significance for Neuronal ceroid lipofuscinosis. Last evaluated: 2022-08-16. Review status: criteria provided, single submitter. Criteria: Invitae Variant Classification Sherloc (09022015). Collection method: clinical testing. Allele origin: germline.
Comment: In summary, the available evidence is currently insufficient to determine the role of this variant in disease. Therefore, it has been classified as a Variant of Uncertain Significance. This variant disrupts a region of the CTSD protein in which other variant(s) (p.Arg399His) have been observed in individuals with CTSD-related conditions (PMID: 25298308). This suggests that this is a clinically significant region of the protein, and that variants that disrupt it are likely to be disease-causing. ClinVar contains an entry for this variant (Variation ID: 1387236). This variant has not been reported in the literature in individuals affected with CTSD-related conditions. This variant is not present in population databases (gnomAD no frequency). This sequence change creates a premature translational stop signal (p.Trp383Aspfs*15) in the CTSD gene. While this is not anticipated to result in nonsense mediated decay, it is expected to disrupt the last 30 amino acid(s) of the CTSD protein.

Literature cited by the submitters: PubMed 25298308.